The following is an entry in ClinVar:

ClinVar aggregate classification (germline): Benign. Review status: criteria provided, multiple submitters, no conflicts (2 of 4 stars). 6 submissions from 6 submitters: Benign (6). Last evaluated 2026-02-04.

Conditions:
Primary ciliary dyskinesia 33. Also called: CILIARY DYSKINESIA, PRIMARY, 33, WITHOUT SITUS INVERSUS. Identifiers: Orphanet 244, MedGen C4225230, MONDO:0014750, OMIM 616726.

Allele frequency attached by ClinVar (database versions not stated): ESP Exome Variant Server 0.82918; TOPMed 0.82933; 1000 Genomes Project 0.84425; 1000 Genomes Project 30x 0.84728.
gnomAD v4.1: 1,262,504 of 1,612,574 alleles (78%); highest among the groups gnomAD compares: African/African-American, 96%; 496,590 homozygotes.

Submissions (6):

Labcorp Genetics (formerly Invitae), Labcorp
Classification: Benign for Primary ciliary dyskinesia 33. Last evaluated: 2026-02-04. Review status: criteria provided, single submitter. Criteria: Invitae Variant Classification Sherloc (09022015). Collection method: clinical testing. Allele origin: germline.

Blueprint Genetics
Classification: Benign. Last evaluated: 2024-11-27. Review status: criteria provided, single submitter. Criteria: ACMG Guidelines, 2015. Collection method: clinical testing. Allele origin: germline.

Genome-Nilou Lab
Classification: Benign for Primary ciliary dyskinesia 33. Last evaluated: 2021-08-10. Review status: criteria provided, single submitter. Criteria: ACMG Guidelines, 2015. Collection method: clinical testing. Allele origin: germline. Affected: no.

GeneDx
Classification: Benign. Last evaluated: 2018-11-11. Review status: criteria provided, single submitter. Criteria: GeneDx Variant Classification Process June 2021. Collection method: clinical testing. Allele origin: germline. Affected: yes.

Laboratory for Molecular Medicine, Mass General Brigham Personalized Medicine
Classification: Benign. Last evaluated: 2016-03-28. Review status: criteria provided, single submitter. Criteria: LMM Criteria. Collection method: clinical testing. Allele origin: germline.
Comment: Variant identified in a genome or exome case(s) and assessed due to predicted null impact of the variant or pathogenic assertions in the literature or databases. Disclaimer: This variant has not undergone full assessment. The following are preliminary notes: Frequency

Breakthrough Genomics
Classification: Benign. Review status: criteria provided, single submitter. Criteria: ACMG Guidelines, 2015. Collection method: not provided. Allele origin: germline. Inheritance: Autosomal recessive inheritance. Affected: yes.

NM_001481.3(DRC4):c.1395A>G (p.Thr465=)

Gene: DRC4 (dynein regulatory complex subunit 4; plus strand). Cytogenetic location: 16q24.3.
Variant type: single nucleotide variant.
Coding change: c.1395A>G on transcript NM_001481.3 (MANE Select); coding-DNA position 1395, A replaced by G.
Protein change: p.Thr465=; no amino-acid change (threonine 465 retained).
Molecular consequence: synonymous variant. On other transcripts: non-coding transcript variant (1).
Genome position (GRCh38, 1-based): chr16:90,043,303, A>G. VCF-style: chr16-90043303-A-G. GRCh37 (hg19) VCF-style: chr16-90109711-A-G.
Other names: c.1146A>G, p.Thr382= (NM_001286205.2); c.819A>G, p.Thr273= (NM_001286208.2); c.1320A>G, p.Thr440= (NM_001286209.2).
Identifiers: ClinVar variation 402894 (VCV000402894.18), dbSNP rs3743825, ClinGen allele CA8258257.